The following is an entry in ClinVar:

ClinVar aggregate classification (germline): Pathogenic (1 of 4 stars; one submission).

Conditions:
Familial cancer of breast. Also called: BREAST CANCER, FAMILIAL; hereditary breast carcinoma; Hereditary breast cancer. Identifiers: Orphanet 227535, MedGen C0346153, MONDO:0016419, OMIM 114480. Disease mechanism: loss of function.

Submission:

Labcorp Genetics (formerly Invitae), Labcorp
Classification: Pathogenic for Familial cancer of breast. Last evaluated: 2017-06-15. Review status: criteria provided, single submitter. Criteria: Invitae Variant Classification Sherloc (09022015). Collection method: clinical testing. Allele origin: germline.
Comment: For these reasons, this variant has been classified as Pathogenic. Loss-of-function variants in CHEK2 are known to be pathogenic (PMID: 21876083, 24713400). This variant has not been reported in the literature in individuals with a CHEK2-related disease. This variant is a gross deletion of the genomic region encompassing exons 2-9 of the CHEK2 gene, which includes the initiator codon. The 5' end of this event is unknown as it extends beyond the assayed region for this gene and therefore may encompass additional genes. The 3' boundary is likely confined to intron 9 of the CHEK2 gene. This is expected to result in an absent or disrupted protein product.

Literature cited by the submitters: PubMed 21876083; PubMed 24713400.

NC_000022.10:g.(?_29095820)_(29130715_?)del

Gene: CHEK2 (checkpoint kinase 2; minus strand). Cytogenetic location: 22q12.1.
Variant type: Deletion.
Identifiers: ClinVar variation 460674 (VCV000460674.8).